The following is an entry in ClinVar:

ClinVar aggregate classification (germline): Conflicting classifications of pathogenicity. Review status: criteria provided, conflicting classifications (1 of 4 stars). 7 submissions from 7 submitters: Uncertain significance (2); Likely benign (3). 2 of the submissions do not count toward it. Last evaluated 2025-06-18.

Conditions:
Polycystic kidney disease, adult type (PKD1). Also called: Polycystic Kidney, Autosomal Dominant; POLYCYSTIC KIDNEY DISEASE, ADULT, TYPE I; Polycystic Kidney Disease 1, Autosomal Dominant; Polycystic kidney disease 1; Polycystic kidney disease 1, severe; POLYCYSTIC KIDNEY DISEASE 1 WITH OR WITHOUT POLYCYSTIC LIVER DISEASE. Identifiers: MedGen C3149841, MONDO:0008263, OMIM 173900.
PKD1-related disorder. Also called: PKD1-related condition.
Polycystic kidney disease. Also called: Kidney, Polycystic; Polycystic kidney dysplasia. Identifiers: MedGen C0022680, MeSH D007690, MONDO:0020642, HP:0000113.

Allele frequency attached by ClinVar (database versions not stated): 1000 Genomes Project 30x 0.00016; 1000 Genomes Project 0.00020; ESP Exome Variant Server 0.00031; gnomAD 0.00053 and 0.00054; ExAC 0.00054; TOPMed 0.00054; gnomAD exomes 0.00056.

Submissions (7):

Women's Health and Genetics/Laboratory Corporation of America, LabCorp
Classification: Uncertain significance. Last evaluated: 2025-06-18. Review status: criteria provided, single submitter. Criteria: LabCorp Variant Classification Summary - May 2015. Collection method: clinical testing. Allele origin: germline.
Comment: Variant summary: PKD1 c.8344G>A (p.Val2782Met) results in a conservative amino acid change located in the REJ domain (IPR014010) of the encoded protein sequence. Algorithms developed to predict the effect of missense changes on protein structure and function all suggest that this variant is likely to be tolerated. The variant allele was found at a frequency of 0.00075 in 1604576 control chromosomes, predominantly at a frequency of 0.00094 within the Non-Finnish European subpopulation in the gnomAD database, including 1 homozygotes. This frequency is not significantly higher than estimated for a pathogenic variant in PKD1 causing PKD1-Biallelic Autosomal Recessive Polycystic Kidney Disease, allowing no conclusion about variant significance. c.8344G>A has been reported in the literature in a cohort of individuals affected with Polycystic Kidney Disease 1, however it was considered to be a polymorphism by segregation analysis (Rossetti_2001). These report(s) do not provide unequivocal conclusions about association of the variant with Polycystic Kidney Disease 1. To our knowledge, no experimental evidence demonstrating an impact on protein function has been reported. The following publication have been ascertained in the context of this evaluation (PMID: 11115377). ClinVar contains an entry for this variant (Variation ID: 997298). Based on the evidence outlined above, the variant was classified as uncertain significance.

CeGaT Center for Human Genetics Tuebingen
Classification: Uncertain significance. Last evaluated: 2025-05-01. Review status: criteria provided, single submitter. Criteria: CeGaT Center For Human Genetics Tuebingen Variant Classification Criteria Version 2. Collection method: clinical testing. Allele origin: germline. Affected: yes. Observed: 1 variant allele.
Comment: PKD1: PM2, BP4

Blueprint Genetics
Classification: Likely benign. Last evaluated: 2024-09-10. Review status: criteria provided, single submitter. Criteria: ACMG Guidelines, 2015. Collection method: clinical testing. Allele origin: germline.

GeneDx
Classification: Likely benign. Last evaluated: 2021-03-24. Review status: criteria provided, single submitter. Criteria: GeneDx Variant Classification Process June 2021. Collection method: clinical testing. Allele origin: germline. Affected: yes.
Comment: In silico analysis supports that this missense variant does not alter protein structure/function; Reported as a polymorphism in published literature (Rossetti et al., 2001); This variant is associated with the following publications: (PMID: 11115377)

Victorian Clinical Genetics Services, Murdoch Childrens Research Institute
Classification: Likely benign for Polycystic kidney disease, adult type. Last evaluated: 2020-05-25. Review status: criteria provided, single submitter. Criteria: ACMG Guidelines, 2015. Collection method: clinical testing. Allele origin: germline. Inheritance: Autosomal dominant inheritance.
Comment: Based on the classification scheme VCGS_Germline_v1.1.1, this variant is classified as Likely benign. Following criteria are met: 0102 - Loss-of-function is a known mechanism of disease for this gene. (N) 0107 - This gene is known to be associated with autosomal dominant disease. (N) 0112 - Variants in this gene are known to have reduced penetrance (PMID: 29326913). (N) 0200 - Variant is predicted to result in a missense amino acid change from valine to methionine (exon 23). (N) 0251 - Variant is heterozygous. (N) 0308 - Population frequency for this variant is out of keeping with known incidence of polycystic kidney disease 1. (B) 0310 - Variant is present in gnomAD >=0.001 and <0.01 for a dominant condition (149 heterozygotes, 0 Homozygotes). (N) 0503 - Missense variant consistently predicted to be tolerated or not conserved in mammals with a minor amino acid change. (B) 0504 - Same amino acid change has been observed in mammals. (N) 0806 - Moderate previous evidence of neutrality in unrelated individuals (Rossetti, S. et al. (2001), Carrera, P. et al (2016)). (B) 1208 - Inheritance information for this variant is not currently available. (N) Legend: (P) - Pathogenic, (N) - Neutral, (B) - Benign

PreventionGenetics, part of Exact Sciences
Classification: Likely benign for PKD1-related condition. Last evaluated: 2021-05-26. Review status: no assertion criteria provided. Collection method: clinical testing. Allele origin: germline. Not counted in ClinVar's aggregate classification.
Comment: This variant is classified as likely benign based on ACMG/AMP sequence variant interpretation guidelines (Richards et al. 2015 PMID: 25741868, with internal and published modifications).

Department of Pathology and Laboratory Medicine, Sinai Health System
Classification: Likely benign for Polycystic Kidney disease. Review status: no assertion criteria provided. Collection method: clinical testing. Allele origin: unknown. Affected: yes. Observed: 1 variant allele. Study: The Canadian Open Genetics Repository (COGR). Not counted in ClinVar's aggregate classification.
Comment: The PKD1 p.Val2782Met variant was identified in 1 of 210 proband chromosomes (frequency: 0.005) from individuals or families with ADPKD (Rossetti 2001). The variant was also identified in dbSNP (ID: rs151089809) as N/A, and the ADPKD Mutation Database (classified as likely neutral). The variant was not identified in ClinVar, LOVD 3.0, or PKD1-LOVD databases. The variant was identified in control databases in 148 of 272810 chromosomes at a frequency of 0.0005 increasing the likelihood this could be a low frequency benign variant (Genome Aggregation Consortium Feb 27, 2017). In addition we cannot be certain that data from control databases is specific to PKD1 and not from one of the six PKD1 pseudogenes. The p.Val2782 residue is conserved in mammals but not in more distantly related organisms and four out of five computational analyses (PolyPhen-2, SIFT, AlignGVGD, BLOSUM, MutationTaster) do not suggest a high likelihood of impact to the protein; however this information is not predictive enough to rule out pathogenicity. The variant occurs outside of the splicing consensus sequence and in silico or computational prediction software programs (SpliceSiteFinder, MaxEntScan, NNSPLICE, GeneSplicer, HumanSpliceFinder) do not predict a difference in splicing. The variant is located with the Egg jelly receptor, REJ-like functional domain. In summary, based on the above information, the clinical significance of this variant cannot be determined with certainty at this time although we would lean towards a more benign role for this variant. This variant is classified as likely benign.

Literature cited by the submitters: PubMed 11115377 (cited by Women's Health and Genetics/Laboratory Corporation of America, LabCorp and Victorian Clinical Genetics Services, Murdoch Childrens Research Institute); PubMed 27499327 (cited by Victorian Clinical Genetics Services, Murdoch Childrens Research Institute); PubMed 29326913 (cited by Victorian Clinical Genetics Services, Murdoch Childrens Research Institute).

NM_001009944.3(PKD1):c.8344G>A (p.Val2782Met)

Gene: PKD1 (polycystin 1, transient receptor potential channel interacting; minus strand). Cytogenetic location: 16p13.3.
Variant type: single nucleotide variant.
Coding change: c.8344G>A on transcript NM_001009944.3 (MANE Select); coding-DNA position 8344, G replaced by A.
Protein change: p.Val2782Met; replaces valine 2782 with methionine.
Molecular consequence: missense variant.
Genome position (GRCh38, 1-based): chr16:2,103,713, C>T on the plus strand (G>A on the coding strand, the complement: PKD1 is on the minus strand). VCF-style: chr16-2103713-C-T. GRCh37 (hg19) VCF-style: chr16-2153714-C-T.
Other names: c.8344G>A, p.Val2782Met (NM_000296.4); short protein forms V2782M.
Identifiers: ClinVar variation 997298 (VCV000997298.20), dbSNP rs151089809, ClinGen allele CA7830554.
Genomic context (GRCh38, chr16:2,103,713, plus strand): 5'-GCCCTGGGGCGCCGCCATAGCACAGCAGGCTCCGCGGGTCCGAGCGCTTGCCCTGGGCCA[C>T]GATCTCCTCGCCCGCCAGCGTCAGGGGCTCCTCGTTGAGCACGCGGGAGCGCATGAGGAT-3'
Protein context (NP_001009944.3, residues 2772-2792): EPLTLAGEEI[Val2782Met]AQGKRSDPRS